The following is an entry in ClinVar:

ClinVar aggregate classification (germline): Uncertain significance (1 of 4 stars; one submission).

Conditions:
Inborn genetic diseases. Identifiers: MedGen C0950123, MeSH D030342.

Submission:

Ambry Genetics
Classification: Uncertain significance for Inborn genetic diseases. Last evaluated: 2025-08-19. Review status: criteria provided, single submitter. Criteria: Ambry Variant Classification Scheme 2023. Collection method: clinical testing. Allele origin: germline.
Comment: The p.M11I variant (also known as c.33G>T), located in coding exon 1 of the GATA2 gene, results from a G to T substitution at nucleotide position 33. The methionine at codon 11 is replaced by isoleucine, an amino acid with highly similar properties. This amino acid position is highly conserved in available vertebrate species. In addition, the in silico prediction for this alteration is inconclusive. Based on the available evidence, the clinical significance of this variant remains unclear.

NM_032638.5(GATA2):c.33G>T (p.Met11Ile)

Gene: GATA2 (GATA binding protein 2; minus strand). Cytogenetic location: 3q21.3.
Variant type: single nucleotide variant.
Coding change: c.33G>T on transcript NM_032638.5 (MANE Select); coding-DNA position 33, G replaced by T.
Protein change: p.Met11Ile; replaces methionine 11 with isoleucine.
Molecular consequence: missense variant.
Genome position (GRCh38, 1-based): chr3:128,486,999, C>A on the plus strand (G>T on the coding strand, the complement: GATA2 is on the minus strand). VCF-style: chr3-128486999-C-A. GRCh37 (hg19) VCF-style: chr3-128205842-C-A.
Other names: c.33G>T, p.Met11Ile (NM_001145661.2, NM_001145662.1); short protein forms M11I.
Identifiers: ClinVar variation 4262137 (VCV004262137.1).